The following is an entry in ClinVar:

NM_001958.5(EEF1A2):c.1216C>T (p.Pro406Ser)

Gene: EEF1A2 (eukaryotic translation elongation factor 1 alpha 2; minus strand). Cytogenetic location: 20q13.33.
Variant type: single nucleotide variant.
Coding change: c.1216C>T on transcript NM_001958.5 (MANE Select); coding-DNA position 1216, C replaced by T.
Protein change: p.Pro406Ser; replaces proline 406 with serine.
Molecular consequence: missense variant.
Genome position (GRCh38, 1-based): chr20:63,488,966, G>A on the plus strand (C>T on the coding strand, the complement: EEF1A2 is on the minus strand). VCF-style: chr20-63488966-G-A. GRCh37 (hg19) VCF-style: chr20-62120319-G-A.
Other names: short protein forms P406S.
Identifiers: ClinVar variation 4997196 (VCV004997196.1).
Genomic context (GRCh38, chr20:63,488,966, plus strand): 5'-ACCCCGGCTCACCGAGAGGCGGGTACTGGGAGAAGCTCTCCACACACATGGGCTTTCCCG[G>A]CACCATCTCCACGATGGCCGCGTCTCCAGACTTCAGGGACTTGGGGTTGTCCTCCAGCTT-3'
Protein context (NP_001949.1, residues 396-416): SGDAAIVEMV[Pro406Ser]GKPMCVESFS

ClinVar aggregate classification (germline): Uncertain significance (1 of 4 stars; one submission).

Conditions:
EEF1A2-related disorder. Also called: EEF1A2-related condition; EEF1A2-related disorders.

Submission:

PreventionGenetics, part of Exact Sciences
Classification: Uncertain significance for EEF1A2-related condition. Last evaluated: 2024-11-21. Review status: criteria provided, single submitter. Criteria: ACMG Guidelines, 2015. Collection method: clinical testing. Allele origin: germline.
Comment: The EEF1A2 c.1216C>T variant is predicted to result in the amino acid substitution p.Pro406Ser. To our knowledge, this variant has not been reported in the literature or in a large population database (gnomAD), indicating this variant is rare. At this time, the clinical significance of this variant is uncertain due to the absence of conclusive functional and genetic evidence.